The following is an entry in ClinVar:

ClinVar aggregate classification (germline): Conflicting classifications of pathogenicity. Review status: criteria provided, conflicting classifications (1 of 4 stars). 9 submissions from 8 submitters: Uncertain significance (4); Likely benign (5). Last evaluated 2026-01-24.

Conditions:
Cardiovascular phenotype. Identifiers: MedGen CN230736.
RASopathy. Also called: rasopathies; Noonan spectrum disorder. Identifiers: Orphanet 536391, MedGen C5555857, MONDO:0021060.
Noonan syndrome 4 (NS4). Also called: SOS1-Related Noonan Syndrome; NOONAN SYNDROME WITH PIGMENTED VILLONODULAR SYNOVITIS. Identifiers: Orphanet 648, MedGen C1853120, MONDO:0012547, OMIM 610733.
Fibromatosis, gingival, 1 (GINGF1). Identifiers: Orphanet 2024, MedGen C4551558, MONDO:0007609, OMIM 135300.

Allele frequency attached by ClinVar (database versions not stated): gnomAD 0.00015 and 0.00016; ESP Exome Variant Server 0.00023; gnomAD exomes 0.00024; TOPMed 0.00012.
gnomAD v4.1: 350 of 1,491,372 alleles (0.023%); highest among the groups gnomAD compares: Non-Finnish European, 0.031%; no homozygotes.

Submissions (9):

Labcorp Genetics (formerly Invitae), Labcorp
Classification: Uncertain significance for RASopathy. Last evaluated: 2026-01-24. Review status: criteria provided, single submitter. Criteria: Invitae Variant Classification Sherloc (09022015). Collection method: clinical testing. Allele origin: germline.
Comment: This sequence change replaces arginine, which is basic and polar, with lysine, which is basic and polar, at codon 989 of the SOS1 protein (p.Arg989Lys). This variant is present in population databases (rs202043599, gnomAD 0.02%). This variant has not been reported in the literature in individuals affected with SOS1-related conditions. ClinVar contains an entry for this variant (Variation ID: 45357). An algorithm developed to predict the effect of missense changes on protein structure and function outputs the following: PolyPhen-2: "Benign". The lysine amino acid residue is found in multiple mammalian species, which suggests that this missense change does not adversely affect protein function. In summary, the available evidence is currently insufficient to determine the role of this variant in disease. Therefore, it has been classified as a Variant of Uncertain Significance.

Ambry Genetics
Classification: Uncertain significance for Cardiovascular phenotype. Last evaluated: 2024-09-25. Review status: criteria provided, single submitter. Criteria: Ambry Variant Classification Scheme 2023. Collection method: clinical testing. Allele origin: germline.
Comment: The p.R989K variant (also known as c.2966G>A), located in coding exon 19 of the SOS1 gene, results from a G to A substitution at nucleotide position 2966. The arginine at codon 989 is replaced by lysine, an amino acid with highly similar properties. This amino acid position is not well conserved in available vertebrate species. In addition, this alteration is predicted to be tolerated by in silico analysis. Based on the available evidence, the clinical significance of this variant remains unclear.

Women's Health and Genetics/Laboratory Corporation of America, LabCorp
Classification: Likely benign. Last evaluated: 2024-09-16. Review status: criteria provided, single submitter. Criteria: LabCorp Variant Classification Summary - May 2015. Collection method: clinical testing. Allele origin: germline.
Comment: Variant summary: SOS1 c.2966G>A (p.Arg989Lys) results in a conservative amino acid change in the encoded protein sequence. Four of five in-silico tools predict a benign effect of the variant on protein function. Consensus agreement among computation tools predict no significant impact on normal splicing. However, these predictions have yet to be confirmed by functional studies. The variant allele was found at a frequency of 0.00023 in 1491372 control chromosomes, predominantly at a frequency of 0.00031 within the Non-Finnish European subpopulation in the gnomAD database. The observed variant frequency within Non-Finnish European control individuals in the gnomAD database is approximately 10-fold of the estimated maximal expected allele frequency for a pathogenic variant in SOS1 causing Noonan Syndrome And Related Conditions phenotype (3e-05). c.2966G>A has been reported in the literature in an individual affected with ependymoma without strong evidence for causality (Zhang_2015). This report does not provide unequivocal conclusions about association of the variant with Noonan Syndrome and Related Conditions. To our knowledge, no experimental evidence demonstrating an impact on protein function has been reported. The following publication has been ascertained in the context of this evaluation (PMID: 26580448). ClinVar contains an entry for this variant (Variation ID: 45357). Based on the evidence outlined above, the variant was classified as likely benign.

Blueprint Genetics
Classification: Likely benign. Last evaluated: 2024-08-29. Review status: criteria provided, single submitter. Criteria: ACMG Guidelines, 2015. Collection method: clinical testing. Allele origin: germline.

GeneDx
Classification: Likely benign. Last evaluated: 2020-07-30. Review status: criteria provided, single submitter. Criteria: GeneDx Variant Classification Process June 2021. Collection method: clinical testing. Allele origin: germline. Affected: yes.

Eurofins Ntd Llc (ga)
Classification: Uncertain significance. Last evaluated: 2018-04-03. Review status: criteria provided, single submitter. Criteria: EGL ClinVar v180209 classification definitions. Collection method: clinical testing. Allele origin: germline. Observed: 2 variant alleles, 2 heterozygotes.

Laboratory for Molecular Medicine, Mass General Brigham Personalized Medicine
Classification: Likely benign. Last evaluated: 2018-02-23. Review status: criteria provided, single submitter. Criteria: LMM Criteria. Collection method: clinical testing. Allele origin: germline. Observed: 3 variant alleles.
Comment: p.Arg989Lys in exon 19 of SOS1: This variant is not expected to have clinical si gnificance because the arginine (Arg) residue at position 989 is not conserved t hrough species, with 7 mammals (lesser egyptiam jerboa, naked mole rat, alpaca, bactrian camel, hedgehog, cape elephant shrew and manatee) having a lysine (Lys) at this position. It has been identified in 7/62190 European chromosomes by the Exome Aggregation Consortium (ExAC; dbSNP rs202 043599).

Illumina Laboratory Services, Illumina
Classification: Uncertain significance for Noonan syndrome 4. Last evaluated: 2018-01-12. Review status: criteria provided, single submitter. Criteria: ICSL Variant Classification Criteria 13 December 2019. Collection method: clinical testing. Allele origin: germline.

Illumina Laboratory Services, Illumina
Classification: Likely benign for Fibromatosis, gingival, 1. Last evaluated: 2018-01-12. Review status: criteria provided, single submitter. Criteria: ICSL Variant Classification Criteria 13 December 2019. Collection method: clinical testing. Allele origin: germline.
Comment: This variant was observed in the ICSL laboratory as part of a predisposition screen in an ostensibly healthy population. It had not been previously curated by ICSL or reported in the Human Gene Mutation Database (HGMD: prior to June 1st, 2018), and was therefore a candidate for classification through an automated scoring system. Utilizing variant allele frequency, disease prevalence and penetrance estimates, and inheritance mode, an automated score was calculated to assess if this variant is too frequent to cause the disease. Based on the score and internal cut-off values, a variant classified as likely benign is not then subjected to further curation. The score for this variant resulted in a classification of likely benign for this disease.

Literature cited by the submitters: PubMed 26580448 (cited by Ambry Genetics and Women's Health and Genetics/Laboratory Corporation of America, LabCorp).

NM_005633.4(SOS1):c.2966G>A (p.Arg989Lys)

Gene: SOS1 (SOS Ras/Rac guanine nucleotide exchange factor 1; minus strand). Cytogenetic location: 2p22.1.
Variant type: single nucleotide variant.
Coding change: c.2966G>A on transcript NM_005633.4 (MANE Select); coding-DNA position 2966, G replaced by A.
Protein change: p.Arg989Lys; replaces arginine 989 with lysine.
Molecular consequence: missense variant.
Genome position (GRCh38, 1-based): chr2:38,997,037, C>T on the plus strand (G>A on the coding strand, the complement: SOS1 is on the minus strand). VCF-style: chr2-38997037-C-T. GRCh37 (hg19) VCF-style: chr2-39224178-C-T.
Other names: c.2945G>A, p.Arg982Lys (NM_001382394.1); c.2966G>A, p.Arg989Lys (NM_001382395.1); short protein forms R989K, R982K.
Identifiers: ClinVar variation 45357 (VCV000045357.28), dbSNP rs202043599, ClinGen allele CA136120.
Genomic context (GRCh38, chr2:38,997,037, plus strand): 5'-AGATAATCTGTAAATTCCTTCTCCATGCTATTTCCCATCGGATTCAAGTTTTCAAAGAAC[C>T]TCTAAAATAAATGCAAAGAAAAAATTATTAATATTCAAAATTATAAATTCAGTTTGAAAT-3'
Protein context (NP_005624.2, residues 979-999): YCLRVESDIK[Arg989Lys]FFENLNPMGN